The following is an entry in ClinVar:

NM_022041.4(GAN):c.767C>T (p.Pro256Leu)

Gene: GAN (gigaxonin; plus strand). Cytogenetic location: 16q23.2.
Variant type: single nucleotide variant.
Coding change: c.767C>T on transcript NM_022041.4 (MANE Select); coding-DNA position 767, C replaced by T.
Protein change: p.Pro256Leu; replaces proline 256 with leucine.
Molecular consequence: missense variant.
Genome position (GRCh38, 1-based): chr16:81,356,918, C>T. VCF-style: chr16-81356918-C-T. GRCh37 (hg19) VCF-style: chr16-81390523-C-T.
Other names: c.128C>T, p.Pro43Leu (NM_001377486.1); short protein forms P256L, P43L.
Identifiers: ClinVar variation 2172101 (VCV002172101.2), dbSNP rs773154188, ClinGen allele CA8191468.

ClinVar aggregate classification (germline): Uncertain significance (1 of 4 stars; one submission).

Conditions:
Giant axonal neuropathy 1 (GAN1). Also called: GIANT AXONAL NEUROPATHY 1, AUTOSOMAL RECESSIVE; GAN-Related Neurodegeneration. Identifiers: Orphanet 643, MedGen C1850386, MONDO:0009749, OMIM 256850.

Allele frequency attached by ClinVar (database versions not stated): ExAC 0.00001; TOPMed 0.00002; gnomAD 0.00003.
gnomAD v4.1: 9 of 1,613,628 alleles (0.00056%); highest among the groups gnomAD compares: African/African-American, 0.0053%; no homozygotes.

Submission:

Labcorp Genetics (formerly Invitae), Labcorp
Classification: Uncertain significance for Giant axonal neuropathy 1. Last evaluated: 2022-01-19. Review status: criteria provided, single submitter. Criteria: Invitae Variant Classification Sherloc (09022015). Collection method: clinical testing. Allele origin: germline.
Comment: In summary, the available evidence is currently insufficient to determine the role of this variant in disease. Therefore, it has been classified as a Variant of Uncertain Significance. Algorithms developed to predict the effect of missense changes on protein structure and function (SIFT, PolyPhen-2, Align-GVGD) all suggest that this variant is likely to be tolerated. This variant has not been reported in the literature in individuals affected with GAN-related conditions. This variant is present in population databases (rs773154188, gnomAD 0.01%). This sequence change replaces proline, which is neutral and non-polar, with leucine, which is neutral and non-polar, at codon 256 of the GAN protein (p.Pro256Leu).